The following is an entry in ClinVar:

ClinVar aggregate classification (germline): Uncertain significance (1 of 4 stars; one submission).

Conditions:
Alstrom syndrome (ALMS). Identifiers: Orphanet 64, MedGen C0268425, MONDO:0008763, OMIM 203800.

Allele frequency attached by ClinVar (database versions not stated): TOPMed 0.00001.
gnomAD v4.1: 1 of 1,614,122 alleles (0.000062%); highest among the groups gnomAD compares: Middle Eastern, 0.016%; no homozygotes.

Submission:

Labcorp Genetics (formerly Invitae), Labcorp
Classification: Uncertain significance for Alstrom syndrome. Last evaluated: 2022-04-12. Review status: criteria provided, single submitter. Criteria: Invitae Variant Classification Sherloc (09022015). Collection method: clinical testing. Allele origin: germline.
Comment: This sequence change replaces valine, which is neutral and non-polar, with isoleucine, which is neutral and non-polar, at codon 2750 of the ALMS1 protein (p.Val2750Ile). This variant is not present in population databases (gnomAD no frequency). This variant has not been reported in the literature in individuals affected with ALMS1-related conditions. Experimental studies and prediction algorithms are not available or were not evaluated, and the functional significance of this variant is currently unknown. In summary, the available evidence is currently insufficient to determine the role of this variant in disease. Therefore, it has been classified as a Variant of Uncertain Significance.

NM_001378454.1(ALMS1):c.8245G>A (p.Val2749Ile)

Gene: ALMS1 (ALMS1 centrosome and basal body associated protein; plus strand). Cytogenetic location: 2p13.1.
Variant type: single nucleotide variant.
Coding change: c.8245G>A on transcript NM_001378454.1 (MANE Select); coding-DNA position 8245, G replaced by A.
Protein change: p.Val2749Ile; replaces valine 2749 with isoleucine.
Molecular consequence: missense variant.
Genome position (GRCh38, 1-based): chr2:73,490,204, G>A. VCF-style: chr2-73490204-G-A. GRCh37 (hg19) VCF-style: chr2-73717331-G-A.
Other names: c.8248G>A, p.Val2750Ile (NM_015120.4); short protein forms V2750I, V2749I.
Identifiers: ClinVar variation 2193217 (VCV002193217.1), dbSNP rs1028413835, ClinGen allele CA50378333.